The following continues an entry in ClinVar:

NM_019098.5(CNGB3):c.1148del (p.Thr383fs)

Gene: CNGB3. ClinVar aggregate classification (germline): Pathogenic/Likely pathogenic. Pathogenic (34); Likely pathogenic (1).

Submissions 32 to 56 of 56:

Centre for Mendelian Genomics, University Medical Centre Ljubljana
Classification: Pathogenic for Achromatopsia 3. Last evaluated: 2016-01-01. Review status: criteria provided, single submitter. Criteria: ACMG Guidelines, 2015. Collection method: clinical testing. Allele origin: unknown. Affected: yes.
Comment: This variant was classified as: Pathogenic. The following ACMG criteria were applied in classifying this variant: PVS1,PS3,PM3,PP4,PP5.

Laboratory for Molecular Medicine, Mass General Brigham Personalized Medicine
Classification: Pathogenic for Achromatopsia. Last evaluated: 2015-12-07. Review status: criteria provided, single submitter. Criteria: LMM Criteria. Collection method: clinical testing. Allele origin: germline. Inheritance: Autosomal recessive inheritance. Observed: 3 variant alleles.
Comment: The p.Thr383IlefsX13 (or p.Thr383fsX) (NM_019098.4 c.1148delC) variant in CNGB3 has been reported in >100 individuals with achromatopsia and was the most common CNGB3 variant identified in patients with this disease (Kohl 2003, Sundin 2010) . The reported patients were either homozygous or compound heterozygous with ano ther CNGB3 variant. This variant has been identified in 0.3% (187/66554) of Euro pean chromosomes by the Exome Aggregation Consortium (ExAC; dbSNP rs397515360). Please note that for diseases with recessive inh eritance, clinical variability, or reduced penetrance pathogenic variants may be present at a low frequency in the general population. This variant is predicted to cause a frameshift, which alters the protein?s amino acid sequence beginning at position 383 and leads to a premature termination codon 13 amino acids downs tream. This alteration is then predicted to lead to a truncated or absent protei n. Loss of function of the CNGB3 gene is an established disease mechanism in ind ividuals with achromatopsia. In summary, this variant meets our criteria to be c lassified as pathogenic for achromatopsia in an autosomal recessive manner based upon its segregation in affected individuals and predicted impact on protein fu nction.

CENTOGENE GmbH and LLC - Guiding Precision Medicine
Classification: Pathogenic for Achromatopsia 3. Review status: criteria provided, single submitter. Criteria: ACMG Guidelines, 2015. Collection method: clinical testing. Allele origin: germline. Affected: yes.

Genomics England Pilot Project, Genomics England
Classification: Pathogenic for Achromatopsia 3. Review status: criteria provided, single submitter. Criteria: ACGS Guidelines, 2016. Collection method: clinical testing. Allele origin: germline. Affected: yes.

Sharon lab, Hadassah-Hebrew University Medical Center
Classification: Pathogenic for achromatopsia. Last evaluated: 2019-06-23. Review status: no assertion criteria provided. Collection method: research. Allele origin: inherited. Affected: yes. Not counted in ClinVar's aggregate classification.

Department of Clinical Genetics, Copenhagen University Hospital, Rigshospitalet
Classification: Pathogenic for Cone-rod dystrophy. Last evaluated: 2018-04-01. Review status: no assertion criteria provided. Collection method: research. Allele origin: unknown. Affected: yes. Study: VeluxRD. Not counted in ClinVar's aggregate classification.

Department of Clinical Genetics, Copenhagen University Hospital, Rigshospitalet
Classification: Pathogenic for Achromatopsia. Last evaluated: 2018-04-01. Review status: no assertion criteria provided. Collection method: research. Allele origin: unknown. Affected: yes. Study: VeluxRD. Not counted in ClinVar's aggregate classification.

Department of Clinical Genetics, Copenhagen University Hospital, Rigshospitalet
Classification: Pathogenic for Leber congenital amaurosis. Last evaluated: 2018-04-01. Review status: no assertion criteria provided. Collection method: research. Allele origin: unknown. Affected: yes. Study: VeluxRD. Not counted in ClinVar's aggregate classification.

Department of Clinical Genetics, Copenhagen University Hospital, Rigshospitalet
Classification: Pathogenic for Retinitis pigmentosa. Last evaluated: 2018-04-01. Review status: no assertion criteria provided. Collection method: research. Allele origin: unknown. Affected: yes. Study: VeluxRD. Not counted in ClinVar's aggregate classification.

Molecular Genetics Laboratory, Institute for Ophthalmic Research
Classification: Pathogenic for ACHM3. Last evaluated: 2017-03-27. Review status: no assertion criteria provided. Collection method: research. Allele origin: germline. Affected: yes. Not counted in ClinVar's aggregate classification.

Joint Genome Diagnostic Labs from Nijmegen and Maastricht, Radboudumc and MUMC+
Classification: Pathogenic for Leber congenital amaurosis. Last evaluated: 2016-09-01. Review status: no assertion criteria provided. Collection method: clinical testing. Allele origin: unknown. Affected: yes. Observed: 1 variant allele. Not counted in ClinVar's aggregate classification.

Counsyl
Classification: Pathogenic for Achromatopsia 3. Last evaluated: 2015-07-29. Review status: no assertion criteria provided. Collection method: clinical testing. Allele origin: unknown. Not counted in ClinVar's aggregate classification.

NIHR Bioresource Rare Diseases, University of Cambridge
Classification: Pathogenic for Retinal dystrophy. Last evaluated: 2015-01-01. Review status: no assertion criteria provided. Collection method: research. Allele origin: unknown. Affected: yes. Observed: 1 variant allele. Not counted in ClinVar's aggregate classification.

NIHR Bioresource Rare Diseases, University of Cambridge
Classification: Pathogenic for Achromatopsia. Last evaluated: 2015-01-01. Review status: no assertion criteria provided. Collection method: research. Allele origin: unknown. Affected: yes. Observed: 2 variant alleles. Not counted in ClinVar's aggregate classification.

NIHR Bioresource Rare Diseases, University of Cambridge
Classification: Pathogenic for Disorder of eye. Last evaluated: 2015-01-01. Review status: no assertion criteria provided. Collection method: research. Allele origin: unknown. Affected: yes. Observed: 1 variant allele. Not counted in ClinVar's aggregate classification.
Comment: Undetermined rare ocular disorder with frequency of less than eight patients

NIHR Bioresource Rare Diseases, University of Cambridge
Classification: Pathogenic for Leber congenital amaurosis. Last evaluated: 2015-01-01. Review status: no assertion criteria provided. Collection method: research. Allele origin: unknown. Affected: yes. Observed: 1 variant allele. Not counted in ClinVar's aggregate classification.

Biesecker Lab/Clinical Genomics Section, National Institutes of Health
Classification: Pathogenic for Achromatopsia 3. Last evaluated: 2014-03-06. Review status: no assertion criteria provided. Collection method: curation. Allele origin: germline. Study: CSER_ClinSeq. Not counted in ClinVar's aggregate classification.

OMIM
Classification: Pathogenic for ACHROMATOPSIA 3. Last evaluated: 2007-05-01. Review status: no assertion criteria provided. Collection method: literature only. Allele origin: germline. Not counted in ClinVar's aggregate classification.

Clinical Genetics DNA and cytogenetics Diagnostics Lab, Erasmus MC, Erasmus Medical Center
Classification: Pathogenic. Review status: no assertion criteria provided. Collection method: clinical testing. Allele origin: germline. Affected: yes. Study: VKGL Data-share Consensus. Not counted in ClinVar's aggregate classification.

Clinical Genetics, Academic Medical Center
Classification: Pathogenic. Review status: no assertion criteria provided. Collection method: clinical testing. Allele origin: germline. Affected: yes. Study: VKGL Data-share Consensus. Not counted in ClinVar's aggregate classification.

GeneReviews
No classification provided. Condition: Achromatopsia 3. Review status: no classification provided. Collection method: literature only. Allele origin: germline. Not counted in ClinVar's aggregate classification.

Genome Diagnostics Laboratory, Amsterdam University Medical Center
Classification: Pathogenic. Review status: no assertion criteria provided. Collection method: clinical testing. Allele origin: germline. Affected: yes. Study: VKGL Data-share Consensus. Not counted in ClinVar's aggregate classification.

Joint Genome Diagnostic Labs from Nijmegen and Maastricht, Radboudumc and MUMC+
Classification: Pathogenic. Review status: no assertion criteria provided. Collection method: clinical testing. Allele origin: germline. Affected: yes. Study: VKGL Data-share Consensus. Not counted in ClinVar's aggregate classification.

Laboratory of Diagnostic Genome Analysis, Leiden University Medical Center (LUMC)
Classification: Pathogenic. Review status: no assertion criteria provided. Collection method: clinical testing. Allele origin: germline. Affected: yes. Study: VKGL Data-share Consensus. Not counted in ClinVar's aggregate classification.

Laboratory of Genetics in Ophthalmology, Institut Imagine
Classification: Pathogenic for Achromatopsia 3. Review status: no assertion criteria provided. Collection method: research. Allele origin: inherited. Affected: yes. Observed: 1 variant allele. Not counted in ClinVar's aggregate classification.

Literature cited by the submitters: PubMed 28795510 (cited by 3 submitters); PubMed 10888875 (cited by 9 submitters); PubMed 10958649 (cited by 4 submitters); PubMed 15657609 (cited by 6 submitters); PubMed 15712225 (cited by 3 submitters); PubMed 17265047 (cited by 9 submitters); PubMed 40180963 (cited by Ophthalmic Genetics Group, Institute of Molecular and Clinical Ophthalmology Basel); PubMed 36909829 (cited by Ophthalmic Genetics Group, Institute of Molecular and Clinical Ophthalmology Basel); PubMed 15161866 (cited by Women's Health and Genetics/Laboratory Corporation of America, LabCorp); PubMed 19592100 (cited by Women's Health and Genetics/Laboratory Corporation of America, LabCorp); PubMed 16379026 (cited by 3 submitters); PubMed 23805033 (cited by 4 submitters); PubMed 25770143 (cited by Victorian Clinical Genetics Services, Murdoch Childrens Research Institute and Illumina Laboratory Services, Illumina); PubMed 12815043 (cited by 3 submitters); PubMed 20079539 (cited by Institute of Human Genetics, Univ. Regensburg, Univ. Regensburg); PubMed 22975760 (cited by Institute of Human Genetics, Univ. Regensburg, Univ. Regensburg); PubMed 28041643 (cited by Institute of Human Genetics, Univ. Regensburg, Univ. Regensburg and NIHR Bioresource Rare Diseases, University of Cambridge); PubMed 29053603 (cited by Institute of Human Genetics, Univ. Regensburg, Univ. Regensburg); PubMed 28746191 (cited by Institute of Human Genetics, Univ. Regensburg, Univ. Regensburg); PubMed 28341476 (cited by Institute of Human Genetics, Univ. Regensburg, Univ. Regensburg); PubMed 30418171 (cited by Institute of Human Genetics, Univ. Regensburg, Univ. Regensburg); PubMed 30337596 (cited by Institute of Human Genetics, Univ. Regensburg, Univ. Regensburg); PubMed 30190494 (cited by Institute of Human Genetics, Univ. Regensburg, Univ. Regensburg); PubMed 28929832 (cited by Institute of Human Genetics, Univ. Regensburg, Univ. Regensburg); PubMed 29769798 (cited by Institute of Human Genetics, Univ. Regensburg, Univ. Regensburg); PubMed 30609409 (cited by Institute of Human Genetics, Univ. Regensburg, Univ. Regensburg); PubMed 30718709 (cited by Institute of Human Genetics, Univ. Regensburg, Univ. Regensburg and Department of Clinical Genetics, Copenhagen University Hospital, Rigshospitalet); PubMed 31964843 (cited by Institute of Human Genetics, Univ. Regensburg, Univ. Regensburg); PubMed 31429209 (cited by Institute of Human Genetics, Univ. Regensburg, Univ. Regensburg); PubMed 31980526 (cited by Institute of Human Genetics, Univ. Regensburg, Univ. Regensburg); PubMed 32036094 (cited by Institute of Human Genetics, Univ. Regensburg, Univ. Regensburg); PubMed 32581362 (cited by Institute of Human Genetics, Univ. Regensburg, Univ. Regensburg); PubMed 32531858 (cited by Institute of Human Genetics, Univ. Regensburg, Univ. Regensburg); PubMed 31816670 (cited by Institute of Human Genetics, Univ. Regensburg, Univ. Regensburg); PubMed 32037395 (cited by Institute of Human Genetics, Univ. Regensburg, Univ. Regensburg); PubMed 32860008 (cited by Institute of Human Genetics, Univ. Regensburg, Univ. Regensburg and CENTOGENE GmbH and LLC - Guiding Precision Medicine); PubMed 33562422 (cited by Institute of Human Genetics, Univ. Regensburg, Univ. Regensburg); PubMed 34426522 (cited by Institute of Human Genetics, Univ. Regensburg, Univ. Regensburg); PubMed 33737949 (cited by Institute of Human Genetics, Univ. Regensburg, Univ. Regensburg); PubMed 33749171 (cited by Institute of Human Genetics, Univ. Regensburg, Univ. Regensburg); PubMed 34758253 (cited by Institute of Human Genetics, Univ. Regensburg, Univ. Regensburg); PubMed 34449556 (cited by Institute of Human Genetics, Univ. Regensburg, Univ. Regensburg); PubMed 33851411 (cited by Institute of Human Genetics, Univ. Regensburg, Univ. Regensburg); PubMed 35119454 (cited by Institute of Human Genetics, Univ. Regensburg, Univ. Regensburg); PubMed 35260635 (cited by Institute of Human Genetics, Univ. Regensburg, Univ. Regensburg); PubMed 36460718 (cited by Institute of Human Genetics, Univ. Regensburg, Univ. Regensburg); PubMed 35456422 (cited by Institute of Human Genetics, Univ. Regensburg, Univ. Regensburg); PubMed 36672815 (cited by Institute of Human Genetics, Univ. Regensburg, Univ. Regensburg); PubMed 14757870 (cited by Counsyl); PubMed 1347967 (cited by OMIM).